The following is an entry in ClinVar:

ClinVar aggregate classification (germline): Uncertain significance (0 of 4 stars; one submission).

Conditions:
HADHA-related disorder. Also called: HADHA-related disorders; HADHA-related condition.

gnomAD v4.1: 1 of 1,607,578 alleles (0.000062%); highest among the groups gnomAD compares: African/African-American, 0.0013%; no homozygotes.

Submission:

PreventionGenetics, part of Exact Sciences
Classification: Uncertain significance for HADHA-related condition. Last evaluated: 2024-03-08. Review status: no assertion criteria provided. Collection method: clinical testing. Allele origin: germline.
Comment: The HADHA c.743C>A variant is predicted to result in the amino acid substitution p.Ala248Asp. To our knowledge, this variant has not been reported in the literature or in a large population database, indicating this variant is rare. Although we suspect that this variant may be pathogenic, at this time, the clinical significance of this variant is uncertain due to the absence of conclusive functional and genetic evidence.

NM_000182.5(HADHA):c.743C>A (p.Ala248Asp)

Gene: HADHA (hydroxyacyl-CoA dehydrogenase trifunctional multienzyme complex subunit alpha; minus strand). Cytogenetic location: 2p23.3.
Variant type: single nucleotide variant.
Coding change: c.743C>A on transcript NM_000182.5 (MANE Select); coding-DNA position 743, C replaced by A.
Protein change: p.Ala248Asp; replaces alanine 248 with aspartic acid.
Molecular consequence: missense variant.
Genome position (GRCh38, 1-based): chr2:26,215,109, G>T on the plus strand (C>A on the coding strand, the complement: HADHA is on the minus strand). VCF-style: chr2-26215109-G-T. GRCh37 (hg19) VCF-style: chr2-26437978-G-T.
Other names: short protein forms A248D.
Identifiers: ClinVar variation 3061732 (VCV003061732.2), dbSNP rs199688741, ClinGen allele CA346091562.
Genomic context (GRCh38, chr2:26,215,109, plus strand): 5'-TCACTTTCCACCAATCCCTTGTCTCTCTTTGGAGAGATCTTCTTATCAGCTAGTCCTTTG[G>T]CAAAAGTAATTGCAACTTCTTCTAGGTATTCTATTGTCCGTTCCTCTGGAGGTTTTAGTC-3'
Protein context (NP_000173.2, residues 238-258): EYLEEVAITF[Ala248Asp]KGLADKKISP